The following is an entry in ClinVar:

NM_014727.3(KMT2B):c.6959+3G>A

Gene: KMT2B (lysine methyltransferase 2B; plus strand). Cytogenetic location: 19q13.12.
Variant type: single nucleotide variant.
Coding change: c.6959+3G>A on transcript NM_014727.3 (MANE Select); 3 bases into the intron after coding-DNA position 6959, G replaced by A.
Molecular consequence: intron variant.
Genome position (GRCh38, 1-based): chr19:35,733,511, G>A. VCF-style: chr19-35733511-G-A. GRCh37 (hg19) VCF-style: chr19-36224412-G-A.
Identifiers: ClinVar variation 2897395 (VCV002897395.3), dbSNP rs977855587, ClinGen allele CA307797626.

ClinVar aggregate classification (germline): Uncertain significance (1 of 4 stars; one submission).

Allele frequency attached by ClinVar (database versions not stated): gnomAD exomes 0.00001; TOPMed 0.00003.
gnomAD v4.1: 4 of 1,553,458 alleles (0.00026%); highest among the groups gnomAD compares: Admixed American, 0.0058%; no homozygotes.

Submission:

Labcorp Genetics (formerly Invitae), Labcorp
Classification: Uncertain significance. Last evaluated: 2024-12-27. Review status: criteria provided, single submitter. Criteria: Invitae Variant Classification Sherloc (09022015). Collection method: clinical testing. Allele origin: germline.
Comment: This sequence change falls in intron 28 of the KMT2B gene. It does not directly change the encoded amino acid sequence of the KMT2B protein. It affects a nucleotide within the consensus splice site. This variant is present in population databases (no rsID available, gnomAD 0.01%). This variant has not been reported in the literature in individuals affected with KMT2B-related conditions. ClinVar contains an entry for this variant (Variation ID: 2897395). Variants that disrupt the consensus splice site are a relatively common cause of aberrant splicing (PMID: 17576681, 9536098). Algorithms developed to predict the effect of sequence changes on RNA splicing suggest that this variant is not likely to affect RNA splicing. In summary, the available evidence is currently insufficient to determine the role of this variant in disease. Therefore, it has been classified as a Variant of Uncertain Significance.

Literature cited by the submitters: PubMed 17576681; PubMed 9536098.